The following is an entry in ClinVar:

NM_018975.4(TERF2IP):c.44C>T (p.Thr15Ile)

Gene: TERF2IP (TERF2 interacting protein; plus strand). Cytogenetic location: 16q23.1.
Variant type: single nucleotide variant.
Coding change: c.44C>T on transcript NM_018975.4 (MANE Select); coding-DNA position 44, C replaced by T.
Protein change: p.Thr15Ile; replaces threonine 15 with isoleucine.
Molecular consequence: missense variant. On other transcripts: non-coding transcript variant (1).
Genome position (GRCh38, 1-based): chr16:75,647,926, C>T. VCF-style: chr16-75647926-C-T. GRCh37 (hg19) VCF-style: chr16-75681824-C-T.
Other names: short protein forms T15I.
Identifiers: ClinVar variation 1741028 (VCV001741028.2), dbSNP rs780616875, ClinGen allele CA396817111.

ClinVar aggregate classification (germline): Uncertain significance (1 of 4 stars; one submission).

Submission:

Ambry Genetics
Classification: Uncertain significance. Last evaluated: 2022-10-03. Review status: criteria provided, single submitter. Criteria: Ambry Variant Classification Scheme 2023. Collection method: clinical testing. Allele origin: germline.
Comment: The p.T15I variant (also known as c.44C>T), located in coding exon 1 of the TERF2IP gene, results from a C to T substitution at nucleotide position 44. The threonine at codon 15 is replaced by isoleucine, an amino acid with similar properties. This amino acid position is conserved. In addition, this alteration is predicted to be tolerated by in silico analysis. Since supporting evidence is limited at this time, the clinical significance of this alteration remains unclear.